The following is an entry in ClinVar:

NM_017654.4(SAMD9):c.1797T>A (p.Asp599Glu)

Gene: SAMD9 (sterile alpha motif domain containing 9; minus strand). Cytogenetic location: 7q21.2.
Variant type: single nucleotide variant.
Coding change: c.1797T>A on transcript NM_017654.4 (MANE Select); coding-DNA position 1797, T replaced by A.
Protein change: p.Asp599Glu; replaces aspartic acid 599 with glutamic acid.
Molecular consequence: missense variant.
Genome position (GRCh38, 1-based): chr7:93,104,301, A>T on the plus strand (T>A on the coding strand, the complement: SAMD9 is on the minus strand). VCF-style: chr7-93104301-A-T. GRCh37 (hg19) VCF-style: chr7-92733614-A-T.
Other names: c.1797T>A, p.Asp599Glu (NM_001193307.2); short protein forms D599E.
Identifiers: ClinVar variation 3347967 (VCV003347967.1).

ClinVar aggregate classification (germline): Uncertain significance (0 of 4 stars; one submission).

Conditions:
SAMD9-related disorder. Also called: SAMD9-related condition.

Submission:

PreventionGenetics, part of Exact Sciences
Classification: Uncertain significance for SAMD9-related condition. Last evaluated: 2024-03-12. Review status: no assertion criteria provided. Collection method: clinical testing. Allele origin: germline.
Comment: The SAMD9 c.1797T>A variant is predicted to result in the amino acid substitution p.Asp599Glu. To our knowledge, this variant has not been reported in the literature or in a large population database, indicating this variant is rare. At this time, the clinical significance of this variant is uncertain due to the absence of conclusive functional and genetic evidence.